The following is an entry in ClinVar:

ClinVar aggregate classification (germline): Uncertain significance (1 of 4 stars; one submission).

gnomAD v4.1: 19 of 1,609,788 alleles (0.0012%); highest among the groups gnomAD compares: Non-Finnish European, 0.0015%; no homozygotes.

Submission:

Labcorp Genetics (formerly Invitae), Labcorp
Classification: Uncertain significance. Last evaluated: 2024-12-23. Review status: criteria provided, single submitter. Criteria: Invitae Variant Classification Sherloc (09022015). Collection method: clinical testing. Allele origin: germline.
Comment: This sequence change replaces isoleucine, which is neutral and non-polar, with threonine, which is neutral and polar, at codon 1344 of the ARHGEF10 protein (p.Ile1344Thr). This variant is present in population databases (rs746694929, gnomAD 0.0009%). This variant has not been reported in the literature in individuals affected with ARHGEF10-related conditions. An algorithm developed to predict the effect of missense changes on protein structure and function (PolyPhen-2) suggests that this variant is likely to be tolerated. In summary, the available evidence is currently insufficient to determine the role of this variant in disease. Therefore, it has been classified as a Variant of Uncertain Significance.

NM_014629.4(ARHGEF10):c.4031T>C (p.Ile1344Thr)

Gene: ARHGEF10 (Rho guanine nucleotide exchange factor 10; plus strand). Cytogenetic location: 8p23.3.
Variant type: single nucleotide variant.
Coding change: c.4031T>C on transcript NM_014629.4 (MANE Select); coding-DNA position 4031, T replaced by C.
Protein change: p.Ile1344Thr; replaces isoleucine 1344 with threonine.
Molecular consequence: missense variant.
Genome position (GRCh38, 1-based): chr8:1,957,259, T>C. VCF-style: chr8-1957259-T-C. GRCh37 (hg19) VCF-style: chr8-1905425-T-C.
Other names: c.3917T>C, p.Ile1306Thr (NM_001308152.2); c.4031T>C, p.Ile1344Thr (NM_001308153.3); short protein forms I1306T, I1344T, I1368T.
Identifiers: ClinVar variation 3604056 (VCV003604056.2).